The following is an entry in ClinVar:

NM_001012301.4(ARSI):c.1259G>A (p.Arg420His)

Gene: ARSI (arylsulfatase family member I; minus strand). Cytogenetic location: 5q32.
Variant type: single nucleotide variant.
Coding change: c.1259G>A on transcript NM_001012301.4 (MANE Select); coding-DNA position 1259, G replaced by A.
Protein change: p.Arg420His; replaces arginine 420 with histidine.
Molecular consequence: missense variant.
Genome position (GRCh38, 1-based): chr5:150,297,665, C>T on the plus strand (G>A on the coding strand, the complement: ARSI is on the minus strand). VCF-style: chr5-150297665-C-T. GRCh37 (hg19) VCF-style: chr5-149677228-C-T.
Other names: short protein forms R420H.
Identifiers: ClinVar variation 2601203 (VCV002601203.4), dbSNP rs147847092, ClinGen allele CA3510128.

ClinVar aggregate classification (germline): Uncertain significance. Review status: criteria provided, multiple submitters, no conflicts (2 of 4 stars). 2 submissions from 2 submitters: Uncertain significance (2). Last evaluated 2024-01-27.

Conditions:
Spastic paraplegia. Identifiers: MedGen C0037772, HP:0001258.

Allele frequency attached by ClinVar (database versions not stated): ExAC 0.00003; ESP Exome Variant Server 0.00008.
gnomAD v4.1: 21 of 1,613,234 alleles (0.0013%); highest among the groups gnomAD compares: African/African-American, 0.016%; no homozygotes.

Submissions (2):

Labcorp Genetics (formerly Invitae), Labcorp
Classification: Uncertain significance for Spastic paraplegia. Last evaluated: 2024-01-27. Review status: criteria provided, single submitter. Criteria: Invitae Variant Classification Sherloc (09022015). Collection method: clinical testing. Allele origin: germline.
Comment: This sequence change replaces arginine, which is basic and polar, with histidine, which is basic and polar, at codon 420 of the ARSI protein (p.Arg420His). This variant is present in population databases (rs147847092, gnomAD 0.01%). This variant has not been reported in the literature in individuals affected with ARSI-related conditions. ClinVar contains an entry for this variant (Variation ID: 2601203). Advanced modeling of protein sequence and biophysical properties (such as structural, functional, and spatial information, amino acid conservation, physicochemical variation, residue mobility, and thermodynamic stability) performed at Invitae indicates that this missense variant is not expected to disrupt ARSI protein function with a negative predictive value of 80%. In summary, the available evidence is currently insufficient to determine the role of this variant in disease. Therefore, it has been classified as a Variant of Uncertain Significance.

Ambry Genetics
Classification: Uncertain significance. Last evaluated: 2023-07-14. Review status: criteria provided, single submitter. Criteria: Ambry Variant Classification Scheme 2023. Collection method: clinical testing. Allele origin: germline.